The following is an entry in ClinVar:

ClinVar aggregate classification (germline): Likely benign. Review status: criteria provided, multiple submitters, no conflicts (2 of 4 stars). 4 submissions from 4 submitters: Likely benign (3). 1 of the submissions does not count toward it. Last evaluated 2025-04-01.

Conditions:
GRID2-related disorder. Also called: GRID2-related condition.

Allele frequency attached by ClinVar (database versions not stated): gnomAD 0.00003 and 0.00005; ExAC 0.00007; gnomAD exomes 0.00007; TOPMed 0.00007; 1000 Genomes Project 30x 0.00016; 1000 Genomes Project 0.00020.
gnomAD v4.1: 90 of 1,613,278 alleles (0.0056%); highest among the groups gnomAD compares: Middle Eastern, 0.41%; no homozygotes.

Submissions (4):

CeGaT Center for Human Genetics Tuebingen
Classification: Likely benign. Last evaluated: 2025-04-01. Review status: criteria provided, single submitter. Criteria: CeGaT Center For Human Genetics Tuebingen Variant Classification Criteria Version 2. Collection method: clinical testing. Allele origin: germline. Affected: yes. Observed: 1 variant allele.
Comment: GRID2: BP4, BP7

Labcorp Genetics (formerly Invitae), Labcorp
Classification: Likely benign. Last evaluated: 2024-11-06. Review status: criteria provided, single submitter. Criteria: Invitae Variant Classification Sherloc (09022015). Collection method: clinical testing. Allele origin: germline.

Blueprint Genetics
Classification: Likely benign. Last evaluated: 2024-02-29. Review status: criteria provided, single submitter. Criteria: ACMG Guidelines, 2015. Collection method: clinical testing. Allele origin: germline.

PreventionGenetics, part of Exact Sciences
Classification: Likely benign for GRID2-related condition. Last evaluated: 2019-05-02. Review status: no assertion criteria provided. Collection method: clinical testing. Allele origin: germline. Not counted in ClinVar's aggregate classification.
Comment: This variant is classified as likely benign based on ACMG/AMP sequence variant interpretation guidelines (Richards et al. 2015 PMID: 25741868, with internal and published modifications).

NM_001510.4(GRID2):c.204G>A (p.Thr68=)

Gene: GRID2 (glutamate ionotropic receptor delta type subunit 2; plus strand). Cytogenetic location: 4q22.1.
Variant type: single nucleotide variant.
Coding change: c.204G>A on transcript NM_001510.4 (MANE Select); coding-DNA position 204, G replaced by A.
Protein change: p.Thr68=; no amino-acid change (threonine 68 retained).
Molecular consequence: synonymous variant.
Genome position (GRCh38, 1-based): chr4:92,590,246, G>A. VCF-style: chr4-92590246-G-A. GRCh37 (hg19) VCF-style: chr4-93511397-G-A.
Other names: c.204G>A, p.Thr68= (NM_001286838.1).
Identifiers: ClinVar variation 726179 (VCV000726179.18), dbSNP rs559895523, ClinGen allele CA3011901.